The following is an entry in ClinVar:

NM_000152.5(GAA):c.1799G>C (p.Arg600Pro)

Gene: GAA (alpha glucosidase; plus strand). Cytogenetic location: 17q25.3.
Variant type: single nucleotide variant.
Coding change: c.1799G>C on transcript NM_000152.5 (MANE Select); coding-DNA position 1799, G replaced by C.
Protein change: p.Arg600Pro; replaces arginine 600 with proline.
Molecular consequence: missense variant.
Genome position (GRCh38, 1-based): chr17:80,112,622, G>C. VCF-style: chr17-80112622-G-C. GRCh37 (hg19) VCF-style: chr17-78086421-G-C.
Other names: c.1799G>C, p.Arg600Pro (NM_001079803.3, NM_001079804.3, NM_001406741.1 and 1 more transcripts); short protein forms R600P.
Identifiers: ClinVar variation 4817584 (VCV004817584.2).
Genomic context (GRCh38, chr17:80,112,622, plus strand): 5'-TCCCCCACCACCCCAGGGCGCTGGTGAAGGCTCGGGGGACACGCCCATTTGTGATCTCCC[G>C]CTCGACCTTTGCTGGCCACGGCCGATACGCCGGCCACTGGACGGGGGACGTGTGGAGCTC-3'
Protein context (NP_000143.2, residues 590-610): ARGTRPFVIS[Arg600Pro]STFAGHGRYA

ClinVar aggregate classification (germline): Conflicting classifications of pathogenicity. Review status: criteria provided, conflicting classifications (1 of 4 stars). 2 submissions from 2 submitters: Likely pathogenic (1); Uncertain significance (1). Last evaluated 2026-07-01.

Conditions:
Glycogen storage disease, type II (IOPD). Also called: Pompe Disease; CARDIOMEGALIA GLYCOGENICA DIFFUSA; GLYCOGENOSIS, GENERALIZED, CARDIAC FORM; GSD II; POMPE DISEASE, INFANTILE-ONSET; GLYCOGEN STORAGE DISEASE II, INFANTILE-ONSET. Identifiers: Orphanet 365, MedGen C0017921, MONDO:0009290, OMIM 232300.

gnomAD v4.1: 1 of 1,612,886 alleles (0.000062%); highest among the groups gnomAD compares: African/African-American, 0.0013%; no homozygotes.

Submissions (2):

Genomenon, Inc
Classification: Uncertain significance for Glycogen storage disease, type II. Last evaluated: 2026-07-01. Review status: criteria provided, single submitter. Criteria: Genomenon Sequence Variant Interpretation Standards - Updated. Collection method: curation. Allele origin: germline. Affected: no.
Comment: GAA p.Arg600Pro (c.1799G>C) is a missense variant that changes the amino acid at codon 600 from Arginine to Proline. This variant has been reported in the published literature (PMID:29451150;39677172;33560568;31076647). The variant is located in a mutational hotspot and/or important functional domain. It is absent or not present at a significant frequency in gnomAD. In silico models predict that this variant is possibly or probably damaging. In conclusion, we classify GAA p.Arg600Pro (c.1799G>C) as a variant of uncertain significance.

Natera, Inc.
Classification: Likely pathogenic for Glycogen storage disease type II. Last evaluated: 2025-06-01. Review status: criteria provided, single submitter. Criteria: Natera Variant Classification Schema (03/2026). Collection method: clinical testing. Allele origin: germline.
Comment: The c.1799G>C variant in GAA is a missense variant predicted to cause substitution of arginine to proline at amino acid 600. This variant is rare in the general population with a frequency below the threshold expected for the associated phenotype(s). This variant has been observed in one or more individuals affected with the associated recessive disease, as either homozygous or compound heterozygous with a second variant (PMID: 29451150). This variant is located in a functionally critical region of the protein. A different variant at the same position has been determined to be Pathogenic or Likely Pathogenic. Computational prediction algorithms indicate this variant is likely to affect gene or protein function. Given the available evidence, this variant is classified as Likely Pathogenic.

Literature cited by the submitters: PubMed 29451150 (cited by Genomenon, Inc and Natera, Inc.); PubMed 39677172 (cited by Genomenon, Inc); PubMed 33560568 (cited by Genomenon, Inc); PubMed 31076647 (cited by Genomenon, Inc).